The following is an entry in ClinVar:

ClinVar aggregate classification (germline): Uncertain significance (1 of 4 stars; one submission).

Conditions:
Hereditary cancer-predisposing syndrome. Also called: Neoplastic Syndromes, Hereditary; Tumor predisposition; Hereditary Cancer Syndrome; Hereditary neoplastic syndrome. Identifiers: Orphanet 140162, MedGen C0027672, MeSH D009386, MONDO:0015356.

Submission:

Ambry Genetics
Classification: Uncertain significance for Hereditary cancer-predisposing syndrome. Last evaluated: 2025-12-26. Review status: criteria provided, single submitter. Criteria: Ambry Variant Classification Scheme 2023. Collection method: clinical testing. Allele origin: germline.
Comment: The p.I1073M variant (also known as c.3219T>G), located in coding exon 19 of the BRIP1 gene, results from a T to G substitution at nucleotide position 3219. The isoleucine at codon 1073 is replaced by methionine, an amino acid with highly similar properties. This amino acid position is conserved. In addition, this alteration is predicted to be tolerated by in silico analysis. Based on the available evidence, the clinical significance of this variant remains unclear.

NM_032043.3(BRIP1):c.3219T>G (p.Ile1073Met)

Gene: BRIP1 (BRCA1 interacting DNA helicase 1; minus strand). Cytogenetic location: 17q23.2.
Variant type: single nucleotide variant.
Coding change: c.3219T>G on transcript NM_032043.3 (MANE Select); coding-DNA position 3219, T replaced by G.
Protein change: p.Ile1073Met; replaces isoleucine 1073 with methionine.
Molecular consequence: missense variant.
Genome position (GRCh38, 1-based): chr17:61,683,827, A>C on the plus strand (T>G on the coding strand, the complement: BRIP1 is on the minus strand). VCF-style: chr17-61683827-A-C. GRCh37 (hg19) VCF-style: chr17-59761188-A-C.
Other names: short protein forms I1073M.
Identifiers: ClinVar variation 4842396 (VCV004842396.1).
Genomic context (GRCh38, chr17:61,683,827, plus strand): 5'-GAGCGGATGTTCAGAATGATTTTTTCTAGTAAGGGTGGCATCAATCTTTAATGATGAAAT[A>C]ATGGTTTCTGATTGAGGGCATGATCCAAACGATGTGTTTACTGTCAGATTTGAGGATTCA-3'
Protein context (NP_114432.2, residues 1063-1083): SFGSCPQSET[Ile1073Met]ISSLKIDATL